The following is an entry in ClinVar:

ClinVar aggregate classification (germline): Benign. Review status: criteria provided, multiple submitters, no conflicts (2 of 4 stars). 4 submissions from 4 submitters: Benign (4). Last evaluated 2026-02-01.

Conditions:
Corneal dystrophy. Identifiers: Orphanet 34533, MedGen C0010036, MONDO:0018102, HP:0001131.

Allele frequency attached by ClinVar (database versions not stated): gnomAD exomes 0.28708 and 0.31823; ExAC 0.32132; ESP Exome Variant Server 0.34547; gnomAD 0.35111 and 0.35276; TOPMed 0.36049; 1000 Genomes Project 0.38718; 1000 Genomes Project 30x 0.39350.
gnomAD v4.1: 473,969 of 1,613,748 alleles (29%); highest among the groups gnomAD compares: African/African-American, 52%; 72,709 homozygotes.

Submissions (4):

Labcorp Genetics (formerly Invitae), Labcorp
Classification: Benign. Last evaluated: 2026-02-01. Review status: criteria provided, single submitter. Criteria: Invitae Variant Classification Sherloc (09022015). Collection method: clinical testing. Allele origin: germline.

GeneDx
Classification: Benign. Last evaluated: 2021-04-21. Review status: criteria provided, single submitter. Criteria: GeneDx Variant Classification Process June 2021. Collection method: clinical testing. Allele origin: germline. Affected: yes.

Illumina Laboratory Services, Illumina
Classification: Benign for Corneal dystrophy. Last evaluated: 2018-01-12. Review status: criteria provided, single submitter. Criteria: ICSL Variant Classification Criteria 13 December 2019. Collection method: clinical testing. Allele origin: germline.
Comment: This variant was observed in the ICSL laboratory as part of a predisposition screen in an ostensibly healthy population. It had not been previously curated by ICSL or reported in the Human Gene Mutation Database (HGMD: prior to June 1st, 2018), and was therefore a candidate for classification through an automated scoring system. Utilizing variant allele frequency, disease prevalence and penetrance estimates, and inheritance mode, an automated score was calculated to assess if this variant is too frequent to cause the disease. Based on the score and internal cut-off values, a variant classified as benign is not then subjected to further curation. The score for this variant resulted in a classification of benign for this disease.

PreventionGenetics, part of Exact Sciences
Classification: Benign. Review status: criteria provided, single submitter. Criteria: ACMG Guidelines, 2015. Collection method: clinical testing. Allele origin: germline.

NM_000358.3(TGFBI):c.981A>G (p.Val327=)

Gene: TGFBI (transforming growth factor beta induced; plus strand). Cytogenetic location: 5q31.1.
Variant type: single nucleotide variant.
Coding change: c.981A>G on transcript NM_000358.3 (MANE Select); coding-DNA position 981, A replaced by G.
Protein change: p.Val327=; no amino-acid change (valine 327 retained).
Molecular consequence: synonymous variant.
Genome position (GRCh38, 1-based): chr5:136,052,974, A>G. VCF-style: chr5-136052974-A-G. GRCh37 (hg19) VCF-style: chr5-135388663-A-G.
Identifiers: ClinVar variation 255940 (VCV000255940.15), dbSNP rs1054124, ClinGen allele CA3420224.